The following is an entry in ClinVar:

ClinVar aggregate classification (germline): Uncertain significance (1 of 4 stars; one submission).

Conditions:
Hereditary cancer-predisposing syndrome. Also called: Hereditary neoplastic syndrome; Neoplastic Syndromes, Hereditary; Tumor predisposition; Hereditary Cancer Syndrome. Identifiers: Orphanet 140162, MedGen C0027672, MeSH D009386, MONDO:0015356.

Submission:

Ambry Genetics
Classification: Uncertain significance for Hereditary cancer-predisposing syndrome. Last evaluated: 2024-12-25. Review status: criteria provided, single submitter. Criteria: Ambry Variant Classification Scheme 2023. Collection method: clinical testing. Allele origin: germline.
Comment: The p.L392V variant (also known as c.1174C>G), located in coding exon 10 of the EGFR gene, results from a C to G substitution at nucleotide position 1174. The leucine at codon 392 is replaced by valine, an amino acid with highly similar properties. This amino acid position is conserved. In addition, the in silico prediction for this alteration is inconclusive. Based on the available evidence, the clinical significance of this variant remains unclear.

NM_005228.5(EGFR):c.1174C>G (p.Leu392Val)

Genes: EGFR (epidermal growth factor receptor; plus strand), LOC126860048 (P300/CBP strongly-dependent group 1 enhancer GRCh37_chr7:55223847-55225046; plus strand). Cytogenetic location: 7p11.2.
Variant type: single nucleotide variant.
Coding change: c.1174C>G on transcript NM_005228.5 (MANE Select); coding-DNA position 1174, C replaced by G.
Protein change: p.Leu392Val; replaces leucine 392 with valine.
Molecular consequence: missense variant.
Genome position (GRCh38, 1-based): chr7:55,156,799, C>G. VCF-style: chr7-55156799-C-G. GRCh37 (hg19) VCF-style: chr7-55224492-C-G.
Other names: c.1039C>G, p.Leu347Val (NM_001346897.2, NM_001346899.2); c.1174C>G, p.Leu392Val (NM_001346898.2, NM_201282.2, NM_201283.2 and 1 more transcripts); c.1015C>G, p.Leu339Val (NM_001346900.2); c.373C>G, p.Leu125Val (NM_001346941.2); short protein forms L125V, L392V, L347V, L339V.
Identifiers: ClinVar variation 3843785 (VCV003843785.1).